The following is an entry in ClinVar:

ClinVar aggregate classification (germline): Uncertain significance (1 of 4 stars; one submission).

Submission:

Labcorp Genetics (formerly Invitae), Labcorp
Classification: Uncertain significance. Last evaluated: 2022-07-06. Review status: criteria provided, single submitter. Criteria: Invitae Variant Classification Sherloc (09022015). Collection method: clinical testing. Allele origin: germline.
Comment: This variant results in a copy number gain of the genomic region encompassing exon(s) 1 of the DENND5A gene. This region includes the initiator codon of the gene. This copy number gain extends beyond the assayed region for this gene and therefore may encompass additional genes. As the precise location of this event is unknown, it may be in tandem or it may be located elsewhere in the genome. This variant has not been reported in the literature in individuals affected with DENND5A-related conditions. In summary, the available evidence is currently insufficient to determine the role of this variant in disease. Therefore, it has been classified as a Variant of Uncertain Significance.

NC_000011.9:g.(?_9286488)_(9286616_?)dup

Gene: DENND5A (DENN domain containing 5A; minus strand). Cytogenetic location: 11p15.4.
Variant type: Duplication.
Identifiers: ClinVar variation 2426100 (VCV002426100.2).